The following is an entry in ClinVar:

NM_001252102.2(KIF21B):c.1836G>C (p.Ser612=)

Gene: KIF21B (kinesin family member 21B; minus strand). Cytogenetic location: 1q32.1.
Variant type: single nucleotide variant.
Coding change: c.1836G>C on transcript NM_001252102.2 (MANE Select); coding-DNA position 1836, G replaced by C.
Protein change: p.Ser612=; no amino-acid change (serine 612 retained).
Molecular consequence: synonymous variant.
Genome position (GRCh38, 1-based): chr1:200,999,398, C>G on the plus strand (G>C on the coding strand, the complement: KIF21B is on the minus strand). VCF-style: chr1-200999398-C-G. GRCh37 (hg19) VCF-style: chr1-200968526-C-G.
Other names: c.1836G>C, p.Ser612= (NM_001252100.2, NM_001252103.2, NM_017596.4).
Identifiers: ClinVar variation 2639736 (VCV002639736.24), dbSNP rs201900169, ClinGen allele CA422693519.

ClinVar aggregate classification (germline): Likely benign (1 of 4 stars; one submission).

gnomAD v4.1: 2 of 1,614,122 alleles (0.00012%); highest among the groups gnomAD compares: Non-Finnish European, 0.00017%; no homozygotes.

Submission:

CeGaT Center for Human Genetics Tuebingen
Classification: Likely benign. Last evaluated: 2022-03-01. Review status: criteria provided, single submitter. Criteria: CeGaT Center For Human Genetics Tuebingen Variant Classification Criteria Version 2. Collection method: clinical testing. Allele origin: germline. Affected: yes. Observed: 1 variant allele.
Comment: KIF21B: BP4, BP7